The following is an entry in ClinVar:

NM_001163435.3(TBCK):c.1361A>T (p.Tyr454Phe)

Gene: TBCK (TBC1 domain containing kinase; minus strand). Cytogenetic location: 4q24.
Variant type: single nucleotide variant.
Coding change: c.1361A>T on transcript NM_001163435.3 (MANE Select); coding-DNA position 1361, A replaced by T.
Protein change: p.Tyr454Phe; replaces tyrosine 454 with phenylalanine.
Molecular consequence: missense variant.
Genome position (GRCh38, 1-based): chr4:106,235,357, T>A on the plus strand (A>T on the coding strand, the complement: TBCK is on the minus strand). VCF-style: chr4-106235357-T-A. GRCh37 (hg19) VCF-style: chr4-107156514-T-A.
Other names: c.1361A>T (NM_001163435.1); c.1361A>T, p.Tyr454Phe (NM_001163436.4); c.1244A>T, p.Tyr415Phe (NM_001163437.3); c.845A>T, p.Tyr282Phe (NM_001290768.2); c.1172A>T, p.Tyr391Phe (NM_033115.5); short protein forms Y282F, Y415F, Y391F, Y454F.
Identifiers: ClinVar variation 1411456 (VCV001411456.4), dbSNP rs1046975281, ClinGen allele CA102835120.

ClinVar aggregate classification (germline): Uncertain significance. Review status: criteria provided, multiple submitters, no conflicts (2 of 4 stars). 2 submissions from 2 submitters: Uncertain significance (2). Last evaluated 2025-11-12.

Conditions:
Inborn genetic diseases. Identifiers: MedGen C0950123, MeSH D030342.

Allele frequency attached by ClinVar (database versions not stated): gnomAD exomes 0.00001; gnomAD 0.00004.
gnomAD v4.1: 17 of 1,605,778 alleles (0.0011%); highest among the groups gnomAD compares: African/African-American, 0.019%; no homozygotes.

Submissions (2):

Ambry Genetics
Classification: Uncertain significance for Inborn genetic diseases. Last evaluated: 2025-11-12. Review status: criteria provided, single submitter. Criteria: Ambry Variant Classification Scheme 2023. Collection method: clinical testing. Allele origin: germline.

Labcorp Genetics (formerly Invitae), Labcorp
Classification: Uncertain significance. Last evaluated: 2022-01-14. Review status: criteria provided, single submitter. Criteria: Invitae Variant Classification Sherloc (09022015). Collection method: clinical testing. Allele origin: germline.
Comment: This sequence change replaces tyrosine, which is neutral and polar, with phenylalanine, which is neutral and non-polar, at codon 454 of the TBCK protein (p.Tyr454Phe). The frequency data for this variant in the population databases is considered unreliable, as metrics indicate poor data quality at this position in the gnomAD database. This variant has not been reported in the literature in individuals affected with TBCK-related conditions. Algorithms developed to predict the effect of missense changes on protein structure and function are either unavailable or do not agree on the potential impact of this missense change (SIFT: "Deleterious"; PolyPhen-2: "Benign"; Align-GVGD: "Class C0"). In summary, the available evidence is currently insufficient to determine the role of this variant in disease. Therefore, it has been classified as a Variant of Uncertain Significance.